The following is an entry in ClinVar:

ClinVar aggregate classification (germline): Pathogenic (1 of 4 stars; one submission).

Conditions:
Short-rib thoracic dysplasia 10 with or without polydactyly (SRTD10). Identifiers: Orphanet 474, MedGen C3810175, MONDO:0014284, OMIM 615630.
Retinitis pigmentosa 71 (RP71). Identifiers: Orphanet 791, MedGen C4225342, MONDO:0014618, OMIM 616394.

Submission:

Labcorp Genetics (formerly Invitae), Labcorp
Classification: Pathogenic for Retinitis pigmentosa 71; Short-rib thoracic dysplasia 10 with or without polydactyly. Last evaluated: 2025-05-26. Review status: criteria provided, single submitter. Criteria: Invitae Variant Classification Sherloc (09022015). Collection method: clinical testing. Allele origin: germline.
Comment: This sequence change creates a premature translational stop signal (p.Ser1255Alafs*62) in the IFT172 gene. It is expected to result in an absent or disrupted protein product. Loss-of-function variants in IFT172 are known to be pathogenic (PMID: 24140113). This variant is not present in population databases (gnomAD no frequency). This variant has not been reported in the literature in individuals affected with IFT172-related conditions. Algorithms developed to predict the effect of sequence changes on RNA splicing suggest that this variant may disrupt the consensus splice site. For these reasons, this variant has been classified as Pathogenic.

Literature cited by the submitters: PubMed 24140113.

NM_015662.3(IFT172):c.3762del (p.Ser1255fs)

Genes: IFT172 (intraflagellar transport 172; minus strand), LOC126806173 (BRD4-independent group 4 enhancer GRCh37_chr2:27676057-27677256; plus strand). Cytogenetic location: 2p23.3.
Variant type: Deletion.
Coding change: c.3762del on transcript NM_015662.3 (MANE Select); coding-DNA position 3762, one base deleted (C; older notation c.3762delC).
Protein change: p.Ser1255fs; shifts the reading frame from serine 1255.
Molecular consequence: frameshift variant.
Genome position (GRCh38, 1-based): chr2:27,453,689, G deleted on the plus strand (C on the coding strand, the reverse complement: IFT172 is on the minus strand); the first of 3 consecutive G bases (chr2:27,453,689-27,453,691); deleting any one gives the same sequence. VCF-style (leftmost placement, unchanged base first): chr2-27453688-TG-T. GRCh37 (hg19) VCF-style: chr2-27676555-TG-T.
Other names: c.3696del, p.Ser1233fs (NM_001410739.1); short protein forms S1255fs, S1233fs.
Identifiers: ClinVar variation 4785117 (VCV004785117.1).